The following is an entry in ClinVar:

ClinVar aggregate classification (germline): Likely benign. Review status: criteria provided, multiple submitters, no conflicts (2 of 4 stars). 3 submissions from 3 submitters: Likely benign (2). 1 of the submissions does not count toward it. Last evaluated 2025-02-20.

Conditions:
FYB1-related disorder. Also called: FYB1-related condition.

Allele frequency attached by ClinVar (database versions not stated): ESP Exome Variant Server 0.00008; ExAC 0.00013; gnomAD 0.00017; 1000 Genomes Project 0.00020; TOPMed 0.00020; 1000 Genomes Project 30x 0.00031.
gnomAD v4.1: 211 of 1,613,900 alleles (0.013%); highest among the groups gnomAD compares: Middle Eastern, 0.05%; no homozygotes.

Submissions (3):

Mayo Clinic Laboratories, Mayo Clinic
Classification: Likely benign. Last evaluated: 2025-02-20. Review status: criteria provided, single submitter. Criteria: ACMG Guidelines, 2015. Collection method: clinical testing. Allele origin: germline. Observed: 1 variant allele.
Comment: BP4, BP7

Blueprint Genetics
Classification: Likely benign. Last evaluated: 2024-08-12. Review status: criteria provided, single submitter. Criteria: ACMG Guidelines, 2015. Collection method: clinical testing. Allele origin: germline.

PreventionGenetics, part of Exact Sciences
Classification: Likely benign for FYB1-related condition. Last evaluated: 2019-06-28. Review status: no assertion criteria provided. Collection method: clinical testing. Allele origin: germline. Not counted in ClinVar's aggregate classification.
Comment: This variant is classified as likely benign based on ACMG/AMP sequence variant interpretation guidelines (Richards et al. 2015 PMID: 25741868, with internal and published modifications).

NM_001465.6(FYB1):c.606G>A (p.Pro202=)

Gene: FYB1 (FYN binding protein 1; minus strand). Cytogenetic location: 5p13.1.
Variant type: single nucleotide variant.
Coding change: c.606G>A on transcript NM_001465.6 (MANE Select); coding-DNA position 606, G replaced by A.
Protein change: p.Pro202=; no amino-acid change (proline 202 retained).
Molecular consequence: synonymous variant.
Genome position (GRCh38, 1-based): chr5:39,202,355, C>T on the plus strand (G>A on the coding strand, the complement: FYB1 is on the minus strand). VCF-style: chr5-39202355-C-T. GRCh37 (hg19) VCF-style: chr5-39202457-C-T.
Other names: p.Pro202=; c.636G>A, p.Pro212= (NM_001243093.2, NM_018594.2); c.606G>A, p.Pro202= (NM_001349333.2, NM_199335.5).
Identifiers: ClinVar variation 3042900 (VCV003042900.4), dbSNP rs369993453, ClinGen allele CA3246454.